The following is an entry in ClinVar:

ClinVar aggregate classification (germline): Likely benign. Review status: criteria provided, multiple submitters, no conflicts (2 of 4 stars). 3 submissions from 3 submitters: Likely benign (3). Last evaluated 2025-09-22.

Allele frequency attached by ClinVar (database versions not stated): gnomAD exomes below 0.00001 and 0.00001; gnomAD 0.00001; TOPMed 0.00003.
gnomAD v4.1: 8 of 1,605,964 alleles (0.0005%); highest among the groups gnomAD compares: Non-Finnish European, 0.00068%; no homozygotes.

Submissions (3):

Labcorp Genetics (formerly Invitae), Labcorp
Classification: Likely benign. Last evaluated: 2025-09-22. Review status: criteria provided, single submitter. Criteria: Invitae Variant Classification Sherloc (09022015). Collection method: clinical testing. Allele origin: germline.

Blueprint Genetics
Classification: Likely benign. Last evaluated: 2020-09-11. Review status: criteria provided, single submitter. Criteria: ACMG Guidelines, 2015. Collection method: clinical testing. Allele origin: germline.

GeneDx
Classification: Likely benign. Last evaluated: 2017-05-23. Review status: criteria provided, single submitter. Criteria: GeneDx Variant Classification (06012015). Collection method: clinical testing. Allele origin: germline. Affected: yes.
Comment: This variant is considered likely benign or benign based on one or more of the following criteria: it is a conservative change, it occurs at a poorly conserved position in the protein, it is predicted to be benign by multiple in silico algorithms, and/or has population frequency not consistent with disease.

NM_006231.4(POLE):c.6004+10G>A

Gene: POLE (DNA polymerase epsilon, catalytic subunit; minus strand). Cytogenetic location: 12q24.33.
Variant type: single nucleotide variant.
Coding change: c.6004+10G>A on transcript NM_006231.4 (MANE Select); 10 bases into the intron after coding-DNA position 6004, G replaced by A.
Molecular consequence: intron variant.
Genome position (GRCh38, 1-based): chr12:132,634,176, C>T on the plus strand (G>A on the coding strand, the complement: POLE is on the minus strand). VCF-style: chr12-132634176-C-T. GRCh37 (hg19) VCF-style: chr12-133210762-C-T.
Identifiers: ClinVar variation 473778 (VCV000473778.12), dbSNP rs935178604, ClinGen allele CA246295313.
Genomic context (GRCh38, chr12:132,634,176, plus strand): 5'-CACAGGAGCCACATCTACTAACCATGAGTCCCTTCAGTGGGGGCTGCGCAGCCCTGGGCT[C>T]TGGGCTTACCTGAAACAATCATGAGGAAGTAGTTCTGGCAGGAGGCTGCCTGTGGCAAAA-3'